The following is an entry in ClinVar:

ClinVar aggregate classification (germline): Uncertain significance (1 of 4 stars; one submission).

Conditions:
Cardiovascular phenotype. Identifiers: MedGen CN230736.

Submission:

Ambry Genetics
Classification: Uncertain significance for Cardiovascular phenotype. Last evaluated: 2019-05-17. Review status: criteria provided, single submitter. Criteria: Ambry Variant Classification Scheme 2023. Collection method: clinical testing. Allele origin: germline.
Comment: The p.N17H variant (also known as c.49A>C), located in coding exon 1 of the TPM1 gene, results from an A to C substitution at nucleotide position 49. The asparagine at codon 17 is replaced by histidine, an amino acid with similar properties. This amino acid position is highly conserved in available vertebrate species. In addition, this alteration is predicted to be deleterious by in silico analysis. Since supporting evidence is limited at this time, the clinical significance of this alteration remains unclear.

NM_001018005.2(TPM1):c.49A>C (p.Asn17His)

Gene: TPM1 (tropomyosin 1; plus strand). Cytogenetic location: 15q22.2.
Variant type: single nucleotide variant.
Coding change: c.49A>C on transcript NM_001018005.2 (MANE Select); coding-DNA position 49, A replaced by C.
Protein change: p.Asn17His; replaces asparagine 17 with histidine.
Molecular consequence: missense variant.
Genome position (GRCh38, 1-based): chr15:63,042,878, A>C. VCF-style: chr15-63042878-A-C. GRCh37 (hg19) VCF-style: chr15-63335077-A-C.
Other names: c.49A>C, p.Asn17His (NM_000366.6, NM_001018004.2, NM_001018006.2 and 24 more transcripts); short protein forms N17H.
Identifiers: ClinVar variation 1744654 (VCV001744654.2), dbSNP rs2542412241, ClinGen allele CA392718021.